The following is an entry in ClinVar:

ClinVar aggregate classification (germline): Conflicting classifications of pathogenicity. Review status: criteria provided, conflicting classifications (1 of 4 stars). 5 submissions from 3 submitters: Uncertain significance (2); Benign (2); Likely benign (1). Last evaluated 2024-04-03.

Conditions:
Familial Mediterranean fever, autosomal dominant. Also called: Dominant Familial Mediterranean Fever; FMF, AUTOSOMAL DOMINANT. Identifiers: Orphanet 342, MedGen C1851347, MONDO:0007601, OMIM 134610.
Familial Mediterranean fever (FMF). Also called: POLYSEROSITIS, FAMILIAL PAROXYSMAL; POLYSEROSITIS, RECURRENT; Periodic peritonitis; Benign paroxysmal peritonitis. Identifiers: Orphanet 342, MedGen C0031069, MONDO:0018088, OMIM 249100. Disease mechanism: gain of function.
Acute febrile neutrophilic dermatosis (AFND). Also called: Sweet Syndrome; Gomm Button disease. Identifiers: Orphanet 3243, MedGen C0085077, MONDO:0011959, OMIM 608068.

Submissions (5):

Fulgent Genetics
Classification: Uncertain significance for Familial Mediterranean fever, autosomal dominant; Familial Mediterranean fever; Acute febrile neutrophilic dermatosis. Last evaluated: 2024-04-03. Review status: criteria provided, single submitter. Criteria: ACMG Guidelines, 2015. Collection method: clinical testing. Allele origin: germline.

Genome-Nilou Lab
Classification: Likely benign for Familial Mediterranean fever. Last evaluated: 2023-02-08. Review status: criteria provided, single submitter. Criteria: ACMG Guidelines, 2015. Collection method: clinical testing. Allele origin: germline.

Genome-Nilou Lab
Classification: Benign for Familial Mediterranean fever, autosomal dominant. Last evaluated: 2023-02-08. Review status: criteria provided, single submitter. Criteria: ACMG Guidelines, 2015. Collection method: clinical testing. Allele origin: germline.

Genome-Nilou Lab
Classification: Benign for Acute febrile neutrophilic dermatosis. Last evaluated: 2023-02-08. Review status: criteria provided, single submitter. Criteria: ACMG Guidelines, 2015. Collection method: clinical testing. Allele origin: germline.

Labcorp Genetics (formerly Invitae), Labcorp
Classification: Uncertain significance for Familial Mediterranean fever. Last evaluated: 2020-08-20. Review status: criteria provided, single submitter. Criteria: Invitae Variant Classification Sherloc (09022015). Collection method: clinical testing. Allele origin: germline.
Comment: This sequence change creates a premature translational stop signal (p.Gln68*) in the MEFV gene. It is expected to result in an absent or disrupted protein product. The frequency data for this variant in the population databases is not available, as this variant may be reported as separate entries in the ExAC database. This variant has not been reported in the literature in individuals with MEFV-related conditions. The current clinical and genetic evidence is not sufficient to establish whether loss-of-function variants in MEFV cause disease. In summary, the available evidence is currently insufficient to determine the role of this variant in disease. Therefore, it has been classified as a Variant of Uncertain Significance.

NM_000243.3(MEFV):c.201_202delinsTT (p.Gln68Ter)

Gene: MEFV (MEFV innate immunity regulator, pyrin; minus strand). Cytogenetic location: 16p13.3.
Variant type: Indel.
Coding change: c.201_202delinsTT on transcript NM_000243.3 (MANE Select); coding-DNA positions 201 to 202, GC replaced by TT.
Protein change: p.Gln68Ter; replaces glutamine 68 with a stop codon.
Molecular consequence: nonsense.
Genome position (GRCh38, 1-based): chr16:3,256,386-3,256,387, GC replaced by AA on the plus strand (GC replaced by TT on the coding strand, the reverse complement: MEFV is on the minus strand). VCF-style: chr16-3256386-GC-AA. GRCh37 (hg19) VCF-style: chr16-3306386-GC-AA.
Other names: c.201_202delinsTT, p.Gln68Ter (NM_001198536.2); short protein forms Q68*.
Identifiers: ClinVar variation 1036920 (VCV001036920.5), dbSNP rs1959115695, ClinGen allele CA2202665887.